The following is an entry in ClinVar:

ClinVar aggregate classification (germline): Conflicting classifications of pathogenicity. Review status: criteria provided, conflicting classifications (1 of 4 stars). 2 submissions from 1 submitter: Uncertain significance (1); Benign (1). Last evaluated 2018-01-13.

Conditions:
Hypothyroidism due to TSH receptor mutations. Also called: HYPOTHYROIDISM DUE TO UNRESPONSIVENESS TO THYROTROPIN; HYPOTHYROIDISM, CONGENITAL, DUE TO TSH RESISTANCE; HYPOTHYROIDISM, NONAUTOIMMUNE; THYROID-STIMULATING HORMONE, RESISTANCE TO; TSH RESISTANCE; Hypothyroidism, congenital, nongoitrous, 1. Identifiers: Orphanet 90673, MedGen C3493776, MONDO:0010142, OMIM 275200.
Familial hyperthyroidism due to mutations in TSH receptor. Also called: HYPERTHYROIDISM, CONGENITAL NONAUTOIMMUNE; HYPERTHYROIDISM, NONAUTOIMMUNE, AUTOSOMAL DOMINANT; TOXIC THYROID HYPERPLASIA, AUTOSOMAL DOMINANT. Identifiers: Orphanet 424, MedGen C1836706, MONDO:0012203, OMIM 609152.

Allele frequency attached by ClinVar (database versions not stated): gnomAD exomes 0.00030; TOPMed 0.00030; 1000 Genomes Project 30x 0.00031; gnomAD 0.00031 and 0.00035; 1000 Genomes Project 0.00040.
gnomAD v4.1: 506 of 1,604,256 alleles (0.032%); highest among the groups gnomAD compares: East Asian, 0.34%; 1 homozygote.

Submissions (2):

Illumina Laboratory Services, Illumina
Classification: Uncertain significance for Hypothyroidism due to TSH receptor mutations. Last evaluated: 2018-01-13. Review status: criteria provided, single submitter. Criteria: ICSL Variant Classification Criteria 13 December 2019. Collection method: clinical testing. Allele origin: germline.

Illumina Laboratory Services, Illumina
Classification: Benign for Familial hyperthyroidism due to mutations in TSH receptor. Last evaluated: 2018-01-13. Review status: criteria provided, single submitter. Criteria: ICSL Variant Classification Criteria 13 December 2019. Collection method: clinical testing. Allele origin: germline.
Comment: This variant was observed in the ICSL laboratory as part of a predisposition screen in an ostensibly healthy population. It had not been previously curated by ICSL or reported in the Human Gene Mutation Database (HGMD: prior to June 1st, 2018), and was therefore a candidate for classification through an automated scoring system. Utilizing variant allele frequency, disease prevalence and penetrance estimates, and inheritance mode, an automated score was calculated to assess if this variant is too frequent to cause the disease. Based on the score and internal cut-off values, a variant classified as benign is not then subjected to further curation. The score for this variant resulted in a classification of benign for this disease.

NM_000369.5(TSHR):c.-60G>A

Genes: TSHR (thyroid stimulating hormone receptor; plus strand), CEP128 (centrosomal protein 128; minus strand). Cytogenetic location: 14q31.1.
Variant type: single nucleotide variant.
Coding change: c.-60G>A on transcript NM_000369.5 (MANE Select); 60 bases upstream of the start codon, G replaced by A.
Molecular consequence: 5 prime UTR variant.
Genome position (GRCh38, 1-based): chr14:80,955,621, G>A. VCF-style: chr14-80955621-G-A. GRCh37 (hg19) VCF-style: chr14-81421965-G-A.
Other names: c.-60G>A (NM_001018036.3, NM_001142626.3).
Identifiers: ClinVar variation 314689 (VCV000314689.5), dbSNP rs201252762, ClinGen allele CA10641175.